The following is an entry in ClinVar:

ClinVar aggregate classification (germline): Uncertain significance (1 of 4 stars; one submission).

Submission:

CeGaT Center for Human Genetics Tuebingen
Classification: Uncertain significance. Last evaluated: 2025-12-01. Review status: criteria provided, single submitter. Criteria: CeGaT Center For Human Genetics Tuebingen Variant Classification Criteria Version 2. Collection method: clinical testing. Allele origin: germline. Affected: yes. Observed: 1 variant allele.
Comment: ABCA4: PM2, PM3:Supporting

NM_000350.3(ABCA4):c.859-256_859-235delinsGGGATTACAGGTGAGAGCCACC

Gene: ABCA4 (ATP binding cassette subfamily A member 4; minus strand). Cytogenetic location: 1p22.1.
Variant type: Indel.
Coding change: c.859-256_859-235delinsGGGATTACAGGTGAGAGCCACC on transcript NM_000350.3 (MANE Select); 256 bases into the intron before coding-DNA position 859 through 235 bases into the intron before coding-DNA position 859, AGGATTACAGGCATGAGCCACT replaced by GGGATTACAGGTGAGAGCCACC.
Molecular consequence: intron variant.
Genome position (GRCh38, 1-based): chr1:94,080,953-94,080,974, AGTGGCTCATGCCTGTAATCCT replaced by GGTGGCTCTCACCTGTAATCCC on the plus strand (AGGATTACAGGCATGAGCCACT replaced by GGGATTACAGGTGAGAGCCACC on the coding strand, the reverse complement: ABCA4 is on the minus strand). GRCh37 (hg19): chr1:94,546,509-94,546,530.
Other names: c.859-256_859-235delinsGGGATTACAGGTGAGAGCCACC (NM_001425324.1).
Identifiers: ClinVar variation 4535442 (VCV004535442.6).